The following is an entry in ClinVar:

ClinVar aggregate classification (germline): Pathogenic. Review status: criteria provided, multiple submitters, no conflicts (2 of 4 stars). 2 submissions from 2 submitters: Pathogenic (2). Last evaluated 2021-12-14.

Conditions:
Neurofibromatosis, type 1 (NF1). Also called: VON RECKLINGHAUSEN DISEASE; NEUROFIBROMATOSIS, TYPE I, SOMATIC; Peripheral type neurofibromatosis; Neurofibromatosis, type I. Identifiers: Orphanet 636, MedGen C0027831, MONDO:0018975, OMIM 162200. Disease mechanism: loss of function.

Submissions (2):

Labcorp Genetics (formerly Invitae), Labcorp
Classification: Pathogenic for Neurofibromatosis, type 1. Last evaluated: 2021-12-14. Review status: criteria provided, single submitter. Criteria: Invitae Variant Classification Sherloc (09022015). Collection method: clinical testing. Allele origin: germline.
Comment: This variant is not present in population databases (gnomAD no frequency). For these reasons, this variant has been classified as Pathogenic. ClinVar contains an entry for this variant (Variation ID: 561944). This variant has not been reported in the literature in individuals affected with NF1-related conditions. This sequence change creates a premature translational stop signal (p.Thr1790Valfs*46) in the NF1 gene. It is expected to result in an absent or disrupted protein product. Loss-of-function variants in NF1 are known to be pathogenic (PMID: 10712197, 23913538).

GeneDx
Classification: Pathogenic. Last evaluated: 2018-06-28. Review status: criteria provided, single submitter. Criteria: GeneDx Variant Classification (06012015). Collection method: clinical testing. Allele origin: germline. Affected: yes.
Comment: The c.5368_5386del19 variant has not been published as a pathogenic variant, nor has it been reported as a benign variant to our knowledge. The c.5368_5386del19 variant is not observed in large population cohorts (Lek et al., 2016). The deletion causes a frameshift starting with codon Threonine 1790, changes this amino acid to a Valine residue and creates a premature Stop codon at position 46 of the new reading frame, denoted p.Thr1790ValfsX46. This pathogenic variant is predicted to cause loss of normal protein function either through protein truncation or nonsense-mediated mRNA decay. We classify this variant as pathogenic.

Literature cited by the submitters: PubMed 10712197 (cited by Labcorp Genetics (formerly Invitae), Labcorp); PubMed 23913538 (cited by Labcorp Genetics (formerly Invitae), Labcorp).

NM_001042492.3(NF1):c.5431_5449del (p.Thr1811fs)

Gene: NF1 (neurofibromin 1; plus strand). Cytogenetic location: 17q11.2.
Variant type: Deletion.
Coding change: c.5431_5449del on transcript NM_001042492.3 (MANE Select); coding-DNA positions 5431 to 5449, 19 bases deleted (ACCTTCATGCACCAGGAGT).
Protein change: p.Thr1811fs; shifts the reading frame from threonine 1811.
Molecular consequence: frameshift variant.
Genome position (GRCh38, 1-based): chr17:31,327,661-31,327,679, ACCTTCATGCACCAGGAGT deleted. VCF-style (leftmost placement, unchanged base first): chr17-31327660-CACCTTCATGCACCAGGAGT-C. GRCh37 (hg19) VCF-style: chr17-29654678-CACCTTCATGCACCAGGAGT-C.
Other names: c.5368_5386del19, p.Thr1790Valfs (NM_000267.4); c.5368_5386delACCTTCATGCACCAGGAGT (NM_000267.3); short protein forms T1811fs, T1790fs.
Identifiers: ClinVar variation 561944 (VCV000561944.5), dbSNP rs1567612488, ClinGen allele CA658824035.